The following is an entry in ClinVar:

NM_001258392.3(CLPB):c.1132A>G (p.Arg378Gly)

Genes: CLPB (ClpB family mitochondrial disaggregase; minus strand), LOC126861258 (MED14-independent group 3 enhancer GRCh37_chr11:72012242-72013441; plus strand). Cytogenetic location: 11q13.4.
Variant type: single nucleotide variant.
Coding change: c.1132A>G on transcript NM_001258392.3 (MANE Select); coding-DNA position 1132, A replaced by G.
Protein change: p.Arg378Gly; replaces arginine 378 with glycine.
Molecular consequence: missense variant.
Genome position (GRCh38, 1-based): chr11:72,302,339, T>C on the plus strand (A>G on the coding strand, the complement: CLPB is on the minus strand). VCF-style: chr11-72302339-T-C. GRCh37 (hg19) VCF-style: chr11-72013383-T-C.
Other names: c.1045A>G, p.Arg349Gly (NM_001258393.3); c.1087A>G, p.Arg363Gly (NM_001258394.3); c.1222A>G, p.Arg408Gly (NM_030813.6); c.1222A>G (NM_030813.3); short protein forms R408G, R378G, R349G, R363G.
Identifiers: ClinVar variation 187785 (VCV000187785.34), dbSNP rs144078282, ClinGen allele CA198528.

ClinVar aggregate classification (germline): Pathogenic/Likely pathogenic. Review status: criteria provided, multiple submitters, no conflicts (2 of 4 stars). 16 submissions from 16 submitters: Pathogenic (6); Likely pathogenic (6). 4 of the submissions do not count toward it. Last evaluated 2026-08-07.

Conditions:
CLPB-related disorder. Also called: CLPB-related condition.
3-methylglutaconic aciduria, type VIIB (MGCA7B). Also called: 3-methylglutaconic aciduria, type VII, with cataracts, neurologic involvement and neutropenia; CLPB Deficiency; 3-methylglutaconic aciduria with cataracts, neurologic involvement and neutropenia. Identifiers: Orphanet 445038, MedGen C5676893, MONDO:0014561, OMIM 616271.
Neutropenia, severe congenital, 9, autosomal dominant. Identifiers: MedGen C5676954, MONDO:0030726, OMIM 619813.
3-methylglutaconic aciduria, type VIIA. Also called: 3-METHYLGLUTACONIC ACIDURIA WITH NEUROLOGIC INVOLVEMENT AND NEUTROPENIA, AUTOSOMAL DOMINANT. Identifiers: MedGen C5676967, MONDO:0859237, OMIM 619835.
Inborn genetic diseases. Identifiers: MedGen C0950123, MeSH D030342.

Allele frequency attached by ClinVar (database versions not stated): gnomAD 0.00025; ESP Exome Variant Server 0.00031; TOPMed 0.00037.
gnomAD v4.1: 319 of 1,614,004 alleles (0.02%); highest among the groups gnomAD compares: Non-Finnish European, 0.025%; no homozygotes.

Submissions (16):

GeneDx
Classification: Likely pathogenic. Last evaluated: 2026-08-07. Review status: criteria provided, single submitter. Criteria: GeneDx Variant Classification Process June 2021. Collection method: clinical testing. Allele origin: germline.
Comment: Published functional studies found this variant is associated with significantly reduced enzyme activity (PMID: 25597510); In silico analysis supports that this missense variant has a deleterious effect on protein structure/function; This variant is associated with the following publications: (PMID: 40194906, 41719910, 27290639, 28554332, 27891836, 40510848, 37588055, 36170828, 36745679, 34115842, 28687938, 41256177, 25597510)

Labcorp Genetics (formerly Invitae), Labcorp
Classification: Pathogenic for 3-methylglutaconic aciduria, type VIIB. Last evaluated: 2025-12-31. Review status: criteria provided, single submitter. Criteria: Invitae Variant Classification Sherloc (09022015). Collection method: clinical testing. Allele origin: germline.
Comment: This sequence change replaces arginine, which is basic and polar, with glycine, which is neutral and non-polar, at codon 408 of the CLPB protein (p.Arg408Gly). This variant is present in population databases (rs144078282, gnomAD 0.03%). This missense change has been observed in individual(s) with autosomal recessive 3-methylglutaconic aciduria (PMID: 25597510, 27290639, 28554332, 28687938). In at least one individual the data is consistent with being in trans (on the opposite chromosome) from a pathogenic variant. ClinVar contains an entry for this variant (Variation ID: 187785). An algorithm developed to predict the effect of missense changes on protein structure and function (PolyPhen-2) suggests that this variant is likely to be disruptive. Experimental studies have shown that this missense change affects CLPB function (PMID: 25597510). For these reasons, this variant has been classified as Pathogenic.

PreventionGenetics, part of Exact Sciences
Classification: Likely pathogenic for CLPB-related condition. Last evaluated: 2025-12-04. Review status: criteria provided, single submitter. Criteria: ACMG Guidelines, 2015. Collection method: clinical testing. Allele origin: germline.
Comment: The CLPB c.1222A>G variant is predicted to result in the amino acid substitution p.Arg408Gly. This variant has been reported in the compound heterozygous state in 5 individuals from three families presenting with features of 3-methylglutaconic aciduria (Wortmann et al. 2015. PubMed ID: 25597510; Pronicka et al. 2017. PubMed ID: 28687938; Pronicka et al. 2016. PubMed ID: 27290639; Bowling et al. 2017, PubMed ID: 28554332). Functional analysis of CLPB p.Arg408Gly in a zebrafish morpholino knockdown assay showed that this variant was unable to rescue the cerebellum defects when compared to wild type, suggesting dysfunctional CLPB activity (Wortmann et al. 2015. PubMed ID: 25597510). Additionally, Wortmann et al. showed that this variant led to a notable reduction in ATPase activity compared to wild type. Based on this evidence we interpret this variant as likely pathogenic.

Greenwood Genetic Center Diagnostic Laboratories, Greenwood Genetic Center
Classification: Pathogenic for CLPB-related disorder. Last evaluated: 2025-01-06. Review status: criteria provided, single submitter. Criteria: ACMG Guidelines, 2015. Collection method: clinical testing. Allele origin: germline. Affected: yes.
Comment: PS3, PM3_Strong, PP3

Blueprint Genetics
Classification: Pathogenic for CLPB-related disorders. Last evaluated: 2024-09-10. Review status: criteria provided, single submitter. Criteria: ACMG Guidelines, 2015. Collection method: clinical testing. Allele origin: germline. Affected: yes. Observed: 5 variant alleles.

Women's Health and Genetics/Laboratory Corporation of America, LabCorp
Classification: Pathogenic for 3-methylglutaconic aciduria, type VIIB. Last evaluated: 2023-10-05. Review status: criteria provided, single submitter. Criteria: LabCorp Variant Classification Summary - May 2015. Collection method: clinical testing. Allele origin: germline.
Comment: Variant summary: CLPB c.1222A>G (p.Arg408Gly) results in a non-conservative amino acid change located in the AAA+ ATPase domain (IPR003593) of the encoded protein sequence. Five of five in-silico tools predict a damaging effect of the variant on protein function. The variant allele was found at a frequency of 0.0002 in 251282 control chromosomes (gnomAD). c.1222A>G has been reported in the literature in multiple bi-allelic individuals affected with autosomal recessive 3-Methylglutaconic Aciduria (examples: Wortmann_2015 and Pronicka_2017). These data indicate that the variant is very likely to be associated with disease. At least one publication reports experimental evidence evaluating an impact on protein function. The most pronounced variant effect results in 10%-<30% of normal activity (Wortmann_2015). The following publications have been ascertained in the context of this evaluation (PMID: 28687938, 25597510). Six submitters have cited clinical-significance assessments for this variant to ClinVar after 2014. All submitters classified the variant as pathogenic/likely pathogenic. Based on the evidence outlined above, the variant was classified as pathogenic.

Fulgent Genetics
Classification: Likely pathogenic for 3-methylglutaconic aciduria, type VIIB; Neutropenia, severe congenital, 9, autosomal dominant; 3-methylglutaconic aciduria, type VIIA. Last evaluated: 2022-04-20. Review status: criteria provided, single submitter. Criteria: ACMG Guidelines, 2015. Collection method: clinical testing. Allele origin: unknown.

Ambry Genetics
Classification: Pathogenic for Inborn genetic diseases. Last evaluated: 2021-01-26. Review status: criteria provided, single submitter. Criteria: Ambry Variant Classification Scheme 2023. Collection method: clinical testing. Allele origin: germline.
Comment: The c.1222A>G (p.R408G) alteration is located in exon 11 (coding exon 11) of the CLPB gene. This alteration results from an A to G substitution at nucleotide position 1222, causing the arginine (R) at amino acid position 408 to be replaced by a glycine (G). Based on data from the Genome Aggregation Database (gnomAD) database, the CLPB c.1222A>G alteration was observed in 0.02% (58/282666) of total alleles studied, with a frequency of 0.04% (51/129018) in the European (non-Finnish) subpopulation. This alteration has been confirmed in trans with a second disease-causing allele in multiple individuals with 3-methylglutaconic aciduria, developmental delay/intellectual disability, microcephaly, neutropenia, and/or cataracts (Wortmann, 2015; Pronicka, 2016; Pronicka, 2017; Bowling, 2017). This amino acid position is highly conserved in available vertebrate species. In vitro analysis revealed this alteration leads to reduced ATPase activity as compared to wild-type protein (Wortmann, 2015). The in silico prediction for the p.R408G alteration is inconclusive. Based on the available evidence, this alteration is classified as pathogenic.

Baylor Genetics
Classification: Likely pathogenic for 3-methylglutaconic aciduria, type VIIB. Last evaluated: 2019-09-30. Review status: criteria provided, single submitter. Criteria: ACMG Guidelines, 2015. Collection method: clinical testing. Allele origin: unknown. Affected: yes.
Comment: This variant was determined to be likely pathogenic according to ACMG Guidelines, 2015 [PMID:25741868].

Revvity Omics, Revvity
Classification: Likely pathogenic. Last evaluated: 2019-03-25. Review status: criteria provided, single submitter. Criteria: ACMG Guidelines, 2015. Collection method: clinical testing. Allele origin: germline.

SIB Swiss Institute of Bioinformatics
Classification: Likely pathogenic for 3-methylglutaconic aciduria, type VIIB. Last evaluated: 2018-10-15. Review status: criteria provided, single submitter. Criteria: ACMG Guidelines, 2015. Collection method: curation. Allele origin: germline.
Comment: This variant is interpreted as Likely Pathogenic, for 3-methylglutaconic aciduria with cataracts, neurologic involvement and neutropenia, autosomal recessive. The following ACMG Tag(s) were applied: PM2 => Absent from controls (or at extremely low frequency if recessive) in Exome Sequencing Project, 1000 Genomes Project, or Exome Aggregation Consortium. PP3 => Multiple lines of computational evidence support a deleterious effect on the gene or gene product. PS3 => Well-established functional studies show a deleterious effect (PubMed 25597510).

HudsonAlpha Institute for Biotechnology
Classification: Pathogenic for 3-methylglutaconic aciduria, type VIIB. Last evaluated: 2015-09-04. Review status: criteria provided, single submitter. Criteria: HA_assertions_20161101. Collection method: research. Allele origin: paternal. Affected: yes. Observed: 1 variant allele. Study: CSER-HudsonAlpha.

OMIM
Classification: Pathogenic for 3-METHYLGLUTACONIC ACIDURIA, TYPE VIIB. Last evaluated: 2015-02-05. Review status: no assertion criteria provided. Collection method: literature only. Allele origin: germline. Not counted in ClinVar's aggregate classification.

Clinical Genetics DNA and cytogenetics Diagnostics Lab, Erasmus MC, Erasmus Medical Center
Classification: Pathogenic. Review status: no assertion criteria provided. Collection method: clinical testing. Allele origin: germline. Affected: yes. Study: VKGL Data-share Consensus. Not counted in ClinVar's aggregate classification.

GeneReviews
No classification provided. Condition: 3-methylglutaconic aciduria, type VIIB. Review status: no classification provided. Collection method: literature only. Allele origin: germline. Affected: yes. Not counted in ClinVar's aggregate classification.

Joint Genome Diagnostic Labs from Nijmegen and Maastricht, Radboudumc and MUMC+
Classification: Pathogenic. Review status: no assertion criteria provided. Collection method: clinical testing. Allele origin: germline. Affected: yes. Study: VKGL Data-share Consensus. Not counted in ClinVar's aggregate classification.

Literature cited by the submitters: PubMed 25597510 (cited by 6 submitters); PubMed 27290639 (cited by Labcorp Genetics (formerly Invitae), Labcorp and Ambry Genetics); PubMed 28554332 (cited by Labcorp Genetics (formerly Invitae), Labcorp and Ambry Genetics); PubMed 28687938 (cited by 3 submitters); NCBI Bookshelf NBK396257 (cited by GeneReviews).